The following is an entry in ClinVar:

NM_000719.7(CACNA1C):c.5188A>G (p.Ile1730Val)

Genes: CACNA1C (calcium voltage-gated channel subunit alpha1 C; plus strand), CACNA1C-AS1 (CACNA1C antisense RNA 1; minus strand). Cytogenetic location: 12p13.33.
Variant type: single nucleotide variant.
Coding change: c.5188A>G on transcript NM_000719.7 (MANE Select); coding-DNA position 5188, A replaced by G.
Protein change: p.Ile1730Val; replaces isoleucine 1730 with valine.
Molecular consequence: missense variant.
Genome position (GRCh38, 1-based): chr12:2,679,540, A>G. VCF-style: chr12-2679540-A-G. GRCh37 (hg19) VCF-style: chr12-2788706-A-G.
Other names: c.5332A>G, p.Ile1778Val (NM_001129827.2, NM_199460.4); c.5311A>G, p.Ile1771Val (NM_001129829.2); c.5188A>G, p.Ile1730Val (NM_001129830.3, NM_001129840.2, NM_001129841.2 and 4 more transcripts); c.5272A>G, p.Ile1758Val (NM_001129831.2); c.5248A>G, p.Ile1750Val (NM_001129832.2); c.5245A>G, p.Ile1749Val (NM_001129833.2, NM_001129834.2, NM_001129835.2); c.5239A>G, p.Ile1747Val (NM_001129836.2); c.5212A>G, p.Ile1738Val (NM_001129837.2, NM_001129838.2); and 3 more; short protein forms I1730V, I1747V, I1778V, I1749V, I1750V, I1771V, I1719V, I1727V.
Identifiers: ClinVar variation 836248 (VCV000836248.6), dbSNP rs758654112, ClinGen allele CA6389730.
Genomic context (GRCh38, chr12:2,679,540, plus strand): 5'-TACCAAAGCGACGGCCGGAGCGCCTTCCCCCAGACCTTCACCACTCAGCGCCCGCTGCAC[A>G]TCAACAAGGCGGGCAGCAGCCAGGGCGACACTGAGTCGCCATCCCACGAGAAGCTGGTGG-3'
Protein context (NP_000710.5, residues 1720-1740): QTFTTQRPLH[Ile1730Val]NKAGSSQGDT

ClinVar aggregate classification (germline): Uncertain significance (1 of 4 stars; one submission).

Conditions:
Long QT syndrome (LQTS). Identifiers: MedGen C0023976, MeSH D008133, MONDO:0002442. Disease mechanism: loss of function. Inheritance: Various modes of inheritance.

Allele frequency attached by ClinVar (database versions not stated): gnomAD exomes below 0.00001; ExAC 0.00001; gnomAD 0.00001; TOPMed 0.00001.
gnomAD v4.1: 6 of 1,613,132 alleles (0.00037%); highest among the groups gnomAD compares: Non-Finnish European, 0.00042%; no homozygotes.

Submission:

Labcorp Genetics (formerly Invitae), Labcorp
Classification: Uncertain significance for Long QT syndrome. Last evaluated: 2023-08-11. Review status: criteria provided, single submitter. Criteria: Invitae Variant Classification Sherloc (09022015). Collection method: clinical testing. Allele origin: germline.
Comment: In summary, the available evidence is currently insufficient to determine the role of this variant in disease. Therefore, it has been classified as a Variant of Uncertain Significance. Advanced modeling of protein sequence and biophysical properties (such as structural, functional, and spatial information, amino acid conservation, physicochemical variation, residue mobility, and thermodynamic stability) performed at Invitae indicates that this missense variant is not expected to disrupt CACNA1C protein function. ClinVar contains an entry for this variant (Variation ID: 836248). This variant has not been reported in the literature in individuals affected with CACNA1C-related conditions. This variant is present in population databases (rs758654112, gnomAD 0.0009%). This sequence change replaces isoleucine, which is neutral and non-polar, with valine, which is neutral and non-polar, at codon 1730 of the CACNA1C protein (p.Ile1730Val).